The following is an entry in ClinVar:

ClinVar aggregate classification (germline): Uncertain significance (1 of 4 stars; one submission).

Conditions:
X-linked myopathy with postural muscle atrophy. Also called: FHL1-Related Emery-Dreifuss Muscular Dystrophy, X-Linked. Identifiers: Orphanet 178461, MedGen C2678055, MONDO:0010401, OMIM 300696.

gnomAD v4.1: 1 of 1,212,311 alleles (0.000082%); no homozygotes.

Submission:

Labcorp Genetics (formerly Invitae), Labcorp
Classification: Uncertain significance for X-linked myopathy with postural muscle atrophy. Last evaluated: 2024-02-16. Review status: criteria provided, single submitter. Criteria: Invitae Variant Classification Sherloc (09022015). Collection method: clinical testing. Allele origin: germline.
Comment: This sequence change replaces asparagine, which is neutral and polar, with threonine, which is neutral and polar, at codon 166 of the FHL1 protein (p.Asn166Thr). This variant is not present in population databases (gnomAD no frequency). This variant has not been reported in the literature in individuals affected with FHL1-related conditions. ClinVar contains an entry for this variant (Variation ID: 1521197). An algorithm developed to predict the effect of missense changes on protein structure and function (PolyPhen-2) suggests that this variant is likely to be disruptive. In summary, the available evidence is currently insufficient to determine the role of this variant in disease. Therefore, it has been classified as a Variant of Uncertain Significance.

NM_001159699.2(FHL1):c.545A>C (p.Asn182Thr)

Gene: FHL1 (four and a half LIM domains 1; plus strand). Cytogenetic location: Xq26.3.
Variant type: single nucleotide variant.
Coding change: c.545A>C on transcript NM_001159699.2 (MANE Select); coding-DNA position 545, A replaced by C.
Protein change: p.Asn182Thr; replaces asparagine 182 with threonine.
Molecular consequence: missense variant. On other transcripts: non-coding transcript variant (1).
Genome position (GRCh38, 1-based): chrX:136,207,957, A>C. VCF-style: chrX-136207957-A-C. GRCh37 (hg19) VCF-style: chrX-135290116-A-C.
Other names: c.497A>C, p.Asn166Thr (NM_001159700.2, NM_001159702.3, NM_001159703.2 and 9 more transcripts); c.584A>C, p.Asn195Thr (NM_001159701.2); c.545A>C, p.Asn182Thr (NM_001330659.2); short protein forms N195T, N166T, N182T.
Identifiers: ClinVar variation 1521197 (VCV001521197.6), dbSNP rs1569530504, ClinGen allele CA414608666.